The following is an entry in ClinVar:

NM_022132.5(MCCC2):c.1489-233C>T

Gene: MCCC2 (methylcrotonyl-CoA carboxylase subunit 2; plus strand). Cytogenetic location: 5q13.2.
Variant type: single nucleotide variant.
Coding change: c.1489-233C>T on transcript NM_022132.5 (MANE Select); 233 bases into the intron before coding-DNA position 1489, C replaced by T.
Molecular consequence: intron variant.
Genome position (GRCh38, 1-based): chr5:71,652,436, C>T. VCF-style: chr5-71652436-C-T. GRCh37 (hg19) VCF-style: chr5-70948263-C-T.
Other names: c.1375-233C>T (NM_001363147.1).
Identifiers: ClinVar variation 684228 (VCV000684228.1), dbSNP rs6875115, ClinGen allele CA16230578.
Genomic context (GRCh38, chr5:71,652,436, plus strand): 5'-ATAATTCACATCTATTATTGTACCTTGCTGTGATACACAGTACCCTGGGCTTTCACCTTA[C>T]GTGAAATAGCCTCAGGATATTGTCTCTGTTAGGAGAGATGGGATGGGGCACTAACTTGAT-3'

ClinVar aggregate classification (germline): Benign (1 of 4 stars; one submission).

Allele frequency attached by ClinVar (database versions not stated): TOPMed 0.76431; gnomAD 0.76793 and 0.77841; 1000 Genomes Project 30x 0.78529; 1000 Genomes Project 0.79513.
gnomAD v4.1: 118,590 of 152,180 alleles (78%); highest among the groups gnomAD compares: East Asian, 98%; 48,211 homozygotes.

Submission:

GeneDx
Classification: Benign. Last evaluated: 2018-06-19. Review status: criteria provided, single submitter. Criteria: GeneDx Variant Classification (06012015). Collection method: clinical testing. Allele origin: germline. Affected: yes.
Comment: This variant is considered likely benign or benign based on one or more of the following criteria: it is a conservative change, it occurs at a poorly conserved position in the protein, it is predicted to be benign by multiple in silico algorithms, and/or has population frequency not consistent with disease.